The following is an entry in ClinVar:

ClinVar aggregate classification (germline): Likely benign. Review status: criteria provided, multiple submitters, no conflicts (2 of 4 stars). 2 submissions from 2 submitters: Likely benign (2). Last evaluated 2024-08-08.

Conditions:
Juvenile polyposis syndrome (JPS). Identifiers: Orphanet 2929, MedGen C0345893, MONDO:0017380, OMIM 174900.

Submissions (2):

Myriad Genetics, Inc.
Classification: Likely benign for Juvenile polyposis syndrome. Last evaluated: 2024-08-08. Review status: criteria provided, single submitter. Criteria: Myriad Autosomal Dominant, Autosomal Recessive and X-Linked Classification Criteria (2023). Collection method: clinical testing. Allele origin: unknown.
Comment: This variant is considered likely benign. This variant is intronic and is not expected to impact mRNA splicing.

Labcorp Genetics (formerly Invitae), Labcorp
Classification: Likely benign for Juvenile polyposis syndrome. Last evaluated: 2021-12-29. Review status: criteria provided, single submitter. Criteria: Invitae Variant Classification Sherloc (09022015). Collection method: clinical testing. Allele origin: germline.

NM_004329.3(BMPR1A):c.1473+10A>T

Gene: BMPR1A (bone morphogenetic protein receptor type 1A; plus strand). Cytogenetic location: 10q23.2.
Variant type: single nucleotide variant.
Coding change: c.1473+10A>T on transcript NM_004329.3 (MANE Select); 10 bases into the intron after coding-DNA position 1473, A replaced by T.
Molecular consequence: intron variant.
Genome position (GRCh38, 1-based): chr10:86,923,516, A>T. VCF-style: chr10-86923516-A-T. GRCh37 (hg19) VCF-style: chr10-88683273-A-T.
Identifiers: ClinVar variation 2064435 (VCV002064435.5), dbSNP rs2539650351, ClinGen allele CA2580082366.